The following is an entry in ClinVar:

NM_000094.4(COL7A1):c.7756dup (p.Gln2586fs)

Gene: COL7A1 (collagen type VII alpha 1 chain; minus strand). Cytogenetic location: 3p21.31.
Variant type: Duplication.
Coding change: c.7756dup on transcript NM_000094.4 (MANE Select); coding-DNA position 7756, one base duplicated (C; older notation c.7756dupC).
Protein change: p.Gln2586fs; shifts the reading frame from glutamine 2586.
Molecular consequence: frameshift variant.
Genome position (GRCh38, 1-based): chr3:48,568,786, G duplicated on the plus strand (C on the coding strand, the reverse complement: COL7A1 is on the minus strand); the first of 4 consecutive G bases (chr3:48,568,786-48,568,789); duplicating any one gives the same sequence. VCF-style (leftmost placement, unchanged base first): chr3-48568785-T-TG. GRCh37 (hg19) VCF-style: chr3-48606218-T-TG.
Other names: c.7756dupC (NM_000094.4); short protein forms Q2586fs.
Identifiers: ClinVar variation 1048055 (VCV001048055.5), dbSNP rs2043739526, ClinGen allele CA1363077650.

ClinVar aggregate classification (germline): Pathogenic. Review status: criteria provided, multiple submitters, no conflicts (2 of 4 stars). 2 submissions from 2 submitters: Pathogenic (2). Last evaluated 2022-09-23.

Conditions:
Epidermolysis bullosa dystrophica. Also called: Dystrophic epidermolysis bullosa, Hallopeau-Siemens type (formerly); Dystrophic epidermolysis bullosa. Identifiers: Orphanet 303, MedGen C0079294, MONDO:0006543.

Submissions (2):

Labcorp Genetics (formerly Invitae), Labcorp
Classification: Pathogenic. Last evaluated: 2022-09-23. Review status: criteria provided, single submitter. Criteria: Invitae Variant Classification Sherloc (09022015). Collection method: clinical testing. Allele origin: germline.
Comment: This premature translational stop signal has been observed in individual(s) with dystrophic epidermolysis bullosa (PMID: 20184583). This sequence change creates a premature translational stop signal (p.Gln2586Profs*12) in the COL7A1 gene. It is expected to result in an absent or disrupted protein product. Loss-of-function variants in COL7A1 are known to be pathogenic (PMID: 16971478). This variant is not present in population databases (gnomAD no frequency). ClinVar contains an entry for this variant (Variation ID: 1048055). For these reasons, this variant has been classified as Pathogenic.

Biomedical Innovation Departament, CIEMAT
Classification: Pathogenic for Dystrophic epidermolysis bullosa. Last evaluated: 2019-01-24. Review status: criteria provided, single submitter. Criteria: ACMG Guidelines, 2015. Collection method: research. Allele origin: germline. Affected: yes. Observed: 2 variant alleles.

Literature cited by the submitters: PubMed 20184583 (cited by Labcorp Genetics (formerly Invitae), Labcorp); PubMed 16971478 (cited by Labcorp Genetics (formerly Invitae), Labcorp).